The following is an entry in ClinVar:

NC_000020.10:g.(?_62075992)_(62078210_?)del

Gene: KCNQ2 (potassium voltage-gated channel subfamily Q member 2; minus strand). Cytogenetic location: 20q13.33.
Variant type: Deletion.
Identifiers: ClinVar variation 1460156 (VCV001460156.8).

ClinVar aggregate classification (germline): Pathogenic (1 of 4 stars; one submission).

Conditions:
Developmental and epileptic encephalopathy. Identifiers: MedGen C5779964, MONDO:0100620.

Submission:

Labcorp Genetics (formerly Invitae), Labcorp
Classification: Pathogenic for Early-infantile DEE. Last evaluated: 2023-03-16. Review status: criteria provided, single submitter. Criteria: Invitae Variant Classification Sherloc (09022015). Collection method: clinical testing. Allele origin: germline.
Comment: A similar copy number variant has been observed in individual(s) with epilepsy and/or neurodevelopmental disorder (PMID: 29655203). This variant is a gross deletion of the genomic region encompassing exon(s) 2-4 of the KCNQ2 gene. This deletion is out-of-frame, and is expected to create a premature termination codon and result in an absent or disrupted protein product. Loss-of-function variants in KCNQ2 are known to be pathogenic (PMID: 14534157, 23692823, 27779742). For these reasons, this variant has been classified as Pathogenic.

Literature cited by the submitters: PubMed 29655203; PubMed 14534157; PubMed 23692823; PubMed 27779742.